The following is an entry in ClinVar:

ClinVar aggregate classification (germline): Uncertain significance (1 of 4 stars; one submission).

Allele frequency attached by ClinVar (database versions not stated): TOPMed 0.00001.
gnomAD v4.1: 1 of 1,614,130 alleles (0.000062%); highest among the groups gnomAD compares: African/African-American, 0.0013%; no homozygotes.

Submission:

GeneDx
Classification: Uncertain significance. Last evaluated: 2018-01-16. Review status: criteria provided, single submitter. Criteria: GeneDx Variant Classification (06012015). Collection method: clinical testing. Allele origin: germline. Affected: yes.
Comment: The V1266I variant has not been published as a pathogenic variant, nor has it been reported as a benign variant to our knowledge. The V1266I variant is not observed at a significant frequency in large population cohorts (Lek et al., 2016). This variant is a conservative amino acid substitution, which is not likely to impact secondary protein structure as these residues share similar properties. In-silico analyses, including protein predictors and evolutionary conservation, support that this variant does not alter protein structure/function.

NM_001134407.3(GRIN2A):c.3796G>A (p.Val1266Ile)

Gene: GRIN2A (glutamate ionotropic receptor NMDA type subunit 2A; minus strand). Cytogenetic location: 16p13.2.
Variant type: single nucleotide variant.
Coding change: c.3796G>A on transcript NM_001134407.3 (MANE Select); coding-DNA position 3796, G replaced by A.
Protein change: p.Val1266Ile; replaces valine 1266 with isoleucine.
Molecular consequence: missense variant. On other transcripts: intron variant (1).
Genome position (GRCh38, 1-based): chr16:9,763,748, C>T on the plus strand (G>A on the coding strand, the complement: GRIN2A is on the minus strand). VCF-style: chr16-9763748-C-T. GRCh37 (hg19) VCF-style: chr16-9857605-C-T.
Other names: p.V1266I:GTC>ATC; c.3796G>A, p.Val1266Ile (NM_000833.5); c.3772+24G>A (NM_001134408.2); short protein forms V1266I.
Identifiers: ClinVar variation 205678 (VCV000205678.2), dbSNP rs758615952, ClinGen allele CA314988.